The following is an entry in ClinVar:

NM_198576.4(AGRN):c.3430G>C (p.Glu1144Gln)

Gene: AGRN (agrin; plus strand). Cytogenetic location: 1p36.33.
Variant type: single nucleotide variant.
Coding change: c.3430G>C on transcript NM_198576.4 (MANE Select); coding-DNA position 3430, G replaced by C.
Protein change: p.Glu1144Gln; replaces glutamic acid 1144 with glutamine.
Molecular consequence: missense variant.
Genome position (GRCh38, 1-based): chr1:1,047,368, G>C. VCF-style: chr1-1047368-G-C. GRCh37 (hg19) VCF-style: chr1-982748-G-C.
Other names: c.3430G>C, p.Glu1144Gln (NM_001305275.2); c.3115G>C, p.Glu1039Gln (NM_001364727.2); short protein forms E1039Q, E1144Q.
Identifiers: ClinVar variation 1931488 (VCV001931488.5), dbSNP rs200603885, ClinGen allele CA337849158.
Genomic context (GRCh38, chr1:1,047,368, plus strand): 5'-CACTGTACCTCCCCCACAGCCACCAAGGTGTTCCAGGGCGTCCTGGAGCTGGAGGGCGTC[G>C]AGGGCCAGGAGCTGTTCTACACGCCCGAGATGGCTGACCCCAAGTCAGAACTGTTCGGGG-3'
Protein context (NP_940978.2, residues 1134-1154): FQGVLELEGV[Glu1144Gln]GQELFYTPEM

ClinVar aggregate classification (germline): Uncertain significance (1 of 4 stars; one submission).

Conditions:
Congenital myasthenic syndrome 8. Also called: Myasthenic syndrome, congenital, 8, with pre- and postsynaptic defects; MYASTHENIC SYNDROME, CONGENITAL, DUE TO AGRIN DEFICIENCY. Identifiers: Orphanet 590, MedGen C3808739, MONDO:0014052, OMIM 615120.

gnomAD v4.1: 1 of 1,609,916 alleles (0.000062%); highest among the groups gnomAD compares: Admixed American, 0.0017%; no homozygotes.

Submission:

Labcorp Genetics (formerly Invitae), Labcorp
Classification: Uncertain significance for Congenital myasthenic syndrome 8. Last evaluated: 2022-02-08. Review status: criteria provided, single submitter. Criteria: Invitae Variant Classification Sherloc (09022015). Collection method: clinical testing. Allele origin: germline.
Comment: This sequence change replaces glutamic acid, which is acidic and polar, with glutamine, which is neutral and polar, at codon 1144 of the AGRN protein (p.Glu1144Gln). This variant is not present in population databases (gnomAD no frequency). This variant has not been reported in the literature in individuals affected with AGRN-related conditions. Algorithms developed to predict the effect of missense changes on protein structure and function are either unavailable or do not agree on the potential impact of this missense change (SIFT: "Deleterious"; PolyPhen-2: "Probably Damaging"; Align-GVGD: "Class C0"). In summary, the available evidence is currently insufficient to determine the role of this variant in disease. Therefore, it has been classified as a Variant of Uncertain Significance.